The following is an entry in ClinVar:

NC_000003.11:g.(?_192125794)_(192126012_?)del

Gene: FGF12 (fibroblast growth factor 12; minus strand). Cytogenetic location: 3q28.
Variant type: Deletion.
Identifiers: ClinVar variation 1446869 (VCV001446869.4).

ClinVar aggregate classification (germline): Uncertain significance (1 of 4 stars; one submission).

Submission:

Labcorp Genetics (formerly Invitae), Labcorp
Classification: Uncertain significance. Last evaluated: 2022-08-31. Review status: criteria provided, single submitter. Criteria: Invitae Variant Classification Sherloc (09022015). Collection method: clinical testing. Allele origin: germline.
Comment: This variant is a gross deletion of the genomic region encompassing exon(s) 1 of the FGF12 gene, which includes the initiator codon. This deletion extends beyond the assayed region for this gene and therefore may encompass additional genes. It is expected to result in an absent or disrupted protein product. However, the current clinical and genetic evidence is not sufficient to establish whether loss-of-function variants in FGF12 cause disease. This variant has not been reported in the literature in individuals affected with FGF12-related conditions. In summary, the available evidence is currently insufficient to determine the role of this variant in disease. Therefore, it has been classified as a Variant of Uncertain Significance.